The following is an entry in ClinVar:

ClinVar aggregate classification (germline): Uncertain significance. Review status: criteria provided, multiple submitters, no conflicts (2 of 4 stars). 2 submissions from 2 submitters: Uncertain significance (2). Last evaluated 2025-07-29.

Conditions:
Inborn genetic diseases. Identifiers: MedGen C0950123, MeSH D030342.

gnomAD v4.1: 6 of 1,613,372 alleles (0.00037%); highest among the groups gnomAD compares: East Asian, 0.013%; no homozygotes.

Submissions (2):

Labcorp Genetics (formerly Invitae), Labcorp
Classification: Uncertain significance. Last evaluated: 2025-07-29. Review status: criteria provided, single submitter. Criteria: Invitae Variant Classification Sherloc (09022015). Collection method: clinical testing. Allele origin: germline.
Comment: This sequence change replaces histidine, which is basic and polar, with proline, which is neutral and non-polar, at codon 2971 of the SRCAP protein (p.His2971Pro). This variant is present in population databases (rs138363895, gnomAD 0.05%). This variant has not been reported in the literature in individuals affected with SRCAP-related conditions. ClinVar contains an entry for this variant (Variation ID: 3322576). Invitae Evidence Modeling of protein sequence and biophysical properties (such as structural, functional, and spatial information, amino acid conservation, physicochemical variation, residue mobility, and thermodynamic stability) indicates that this missense variant is not expected to disrupt SRCAP protein function with a negative predictive value of 80%. In summary, the available evidence is currently insufficient to determine the role of this variant in disease. Therefore, it has been classified as a Variant of Uncertain Significance.

Ambry Genetics
Classification: Uncertain significance for Inborn genetic diseases. Last evaluated: 2024-03-29. Review status: criteria provided, single submitter. Criteria: Ambry Variant Classification Scheme 2023. Collection method: clinical testing. Allele origin: germline.

NM_006662.3(SRCAP):c.8912A>C (p.His2971Pro)

Gene: SRCAP (Snf2 related CREBBP activator protein; plus strand). Cytogenetic location: 16p11.2.
Variant type: single nucleotide variant.
Coding change: c.8912A>C on transcript NM_006662.3 (MANE Select); coding-DNA position 8912, A replaced by C.
Protein change: p.His2971Pro; replaces histidine 2971 with proline.
Molecular consequence: missense variant.
Genome position (GRCh38, 1-based): chr16:30,738,952, A>C. VCF-style: chr16-30738952-A-C. GRCh37 (hg19) VCF-style: chr16-30750273-A-C.
Other names: short protein forms H2971P.
Identifiers: ClinVar variation 3322576 (VCV003322576.2).